The following is an entry in ClinVar:

NM_000312.4(PROC):c.1242G>A (p.Trp414Ter)

Gene: PROC (protein C, inactivator of coagulation factors Va and VIIIa; plus strand). Cytogenetic location: 2q14.3.
Variant type: single nucleotide variant.
Coding change: c.1242G>A on transcript NM_000312.4 (MANE Select); coding-DNA position 1242, G replaced by A.
Protein change: p.Trp414Ter; replaces tryptophan 414 with a stop codon.
Molecular consequence: nonsense.
Genome position (GRCh38, 1-based): chr2:127,428,802, G>A. VCF-style: chr2-127428802-G-A. GRCh37 (hg19) VCF-style: chr2-128186378-G-A.
Other names: c.1425G>A, p.Trp475Ter (NM_001375602.1); c.1407G>A, p.Trp469Ter (NM_001375603.1); c.1305G>A, p.Trp435Ter (NM_001375604.1); c.1344G>A, p.Trp448Ter (NM_001375605.1); c.1410G>A, p.Trp470Ter (NM_001375606.1); c.1428G>A, p.Trp476Ter (NM_001375607.1); c.1185G>A, p.Trp395Ter (NM_001375608.1); c.1218G>A, p.Trp406Ter (NM_001375609.1); and 2 more; short protein forms W414*, W395*, W406*, W412*, W435*, W448*, W469*, W470*.
Identifiers: ClinVar variation 579043 (VCV000579043.8), dbSNP rs1558718572, ClinGen allele CA348406409.

ClinVar aggregate classification (germline): Likely pathogenic (1 of 4 stars; one submission).

Conditions:
Thrombophilia due to protein C deficiency, autosomal dominant. Also called: PROC DEFICIENCY, AUTOSOMAL DOMINANT; PROTEIN C DEFICIENCY, AUTOSOMAL DOMINANT. Identifiers: Orphanet 745, MedGen C2674321, MONDO:0008316, OMIM 176860. Disease mechanism: loss of function.

Allele frequency attached by ClinVar (database versions not stated): gnomAD exomes below 0.00001.
gnomAD v4.1: 1 of 1,612,322 alleles (0.000062%); highest among the groups gnomAD compares: Non-Finnish European, 0.000085%; no homozygotes.

Submission:

Labcorp Genetics (formerly Invitae), Labcorp
Classification: Likely pathogenic for Thrombophilia due to protein C deficiency, autosomal dominant. Last evaluated: 2018-06-07. Review status: criteria provided, single submitter. Criteria: Invitae Variant Classification Sherloc (09022015). Collection method: clinical testing. Allele origin: germline.
Comment: In summary, the currently available evidence indicates that the variant is pathogenic, but additional data are needed to prove that conclusively. Therefore, this variant has been classified as Likely Pathogenic. Other truncations (p.Leu419Profs*6 and p.Trp444*) that lie downstream of this variant have been reported in individuals affected with thrombosis and protein C deficiency (PMID: 10669160, 22576310). This variant has been observed in an individual affected with venous thromboembolism and protein C deficiency (PMID: 22951146). This variant is not present in population databases (ExAC no frequency). This sequence change results in a premature translational stop signal in the PROC gene (p.Trp414*). While this is not anticipated to result in nonsense mediated decay, it is expected to disrupt the last 48 amino acids of the PROC protein.

Literature cited by the submitters: PubMed 10669160; PubMed 22576310; PubMed 22951146.